The following is an entry in ClinVar:

NM_016111.4(TELO2):c.1111C>A (p.Leu371Ile)

Gene: TELO2 (telomere maintenance 2; plus strand). Cytogenetic location: 16p13.3.
Variant type: single nucleotide variant.
Coding change: c.1111C>A on transcript NM_016111.4 (MANE Select); coding-DNA position 1111, C replaced by A.
Protein change: p.Leu371Ile; replaces leucine 371 with isoleucine.
Molecular consequence: missense variant.
Genome position (GRCh38, 1-based): chr16:1,500,455, C>A. VCF-style: chr16-1500455-C-A. GRCh37 (hg19) VCF-style: chr16-1550456-C-A.
Other names: c.1111C>A, p.Leu371Ile (NM_001351846.2); short protein forms L371I.
Identifiers: ClinVar variation 2400738 (VCV002400738.4), dbSNP rs142731932, ClinGen allele CA7811943.

ClinVar aggregate classification (germline): Uncertain significance. Review status: criteria provided, multiple submitters, no conflicts (2 of 4 stars). 2 submissions from 2 submitters: Uncertain significance (2). Last evaluated 2024-03-28.

Conditions:
Inborn genetic diseases. Identifiers: MedGen C0950123, MeSH D030342.

Allele frequency attached by ClinVar (database versions not stated): ExAC 0.00001; gnomAD exomes 0.00002; gnomAD 0.00003; TOPMed 0.00003; ESP Exome Variant Server 0.00008.
gnomAD v4.1: 44 of 1,610,456 alleles (0.0027%); highest among the groups gnomAD compares: Non-Finnish European, 0.0031%; no homozygotes.

Submissions (2):

Women's Health and Genetics/Laboratory Corporation of America, LabCorp
Classification: Uncertain significance. Last evaluated: 2024-03-28. Review status: criteria provided, single submitter. Criteria: LabCorp Variant Classification Summary - May 2015. Collection method: clinical testing. Allele origin: germline.
Comment: Variant summary: TELO2 c.1111C>A (p.Leu371Ile) results in a conservative amino acid change in the encoded protein sequence. Three of five in-silico tools predict a damaging effect of the variant on protein function. The variant allele was found at a frequency of 4.2e-06 in 238452 control chromosomes. The available data on variant occurrences in the general population are insufficient to allow any conclusion about variant significance. To our knowledge, no occurrence of c.1111C>A in individuals affected with TELO2-Related Intellectual Disability-Neurodevelopmental Disorder and no experimental evidence demonstrating its impact on protein function have been reported. ClinVar contains an entry for this variant (Variation ID: 2400738). Based on the evidence outlined above, the variant was classified as uncertain significance.

Ambry Genetics
Classification: Uncertain significance for Inborn genetic diseases. Last evaluated: 2021-11-19. Review status: criteria provided, single submitter. Criteria: Ambry Variant Classification Scheme 2023. Collection method: clinical testing. Allele origin: germline.